The following is an entry in ClinVar:

NM_014252.4(SLC25A15):c.95C>G (p.Thr32Arg)

Gene: SLC25A15 (solute carrier family 25 member 15; plus strand). Cytogenetic location: 13q14.11.
Variant type: single nucleotide variant.
Coding change: c.95C>G on transcript NM_014252.4 (MANE Select); coding-DNA position 95, C replaced by G.
Protein change: p.Thr32Arg; replaces threonine 32 with arginine.
Molecular consequence: missense variant. On other transcripts: non-coding transcript variant (2).
Genome position (GRCh38, 1-based): chr13:40,799,096, C>G. VCF-style: chr13-40799096-C-G. GRCh37 (hg19) VCF-style: chr13-41373232-C-G.
Other names: short protein forms T32R.
Identifiers: ClinVar variation 6000 (VCV000006000.11), dbSNP rs121908536, ClinGen allele CA340495.
Genomic context (GRCh38, chr13:40,799,096, plus strand): 5'-AGTCATCTGTCCTGATTGCAGGAGGTACAGCATGTGTACTGACCGGGCAGCCCTTTGACA[C>G]AATGAAAGTGAAGATGCAGACGTTCCCTGACCTGTACCGGGGCCTCACCGACTGCTGCCT-3'
Protein context (NP_055067.1, residues 22-42): ACVLTGQPFD[Thr32Arg]MKVKMQTFPD

ClinVar aggregate classification (germline): Pathogenic. Review status: criteria provided, multiple submitters, no conflicts (2 of 4 stars). 5 submissions from 5 submitters: Pathogenic (3). 2 of the submissions do not count toward it. Last evaluated 2025-04-21.

Conditions:
Hyperornithinemia-hyperammonemia-homocitrullinuria syndrome (HHHS). Also called: Ornithine translocase deficiency; HHH SYNDROME. Identifiers: Orphanet 415, MedGen C0268540, MONDO:0009393, OMIM 238970.

Submissions (5):

Women's Health and Genetics/Laboratory Corporation of America, LabCorp
Classification: Pathogenic for Hyperornithinemia-hyperammonemia-homocitrullinuria syndrome. Last evaluated: 2025-04-21. Review status: criteria provided, single submitter. Criteria: LabCorp Variant Classification Summary - May 2015. Collection method: clinical testing. Allele origin: germline.
Comment: Variant summary: SLC25A15 c.95C>G (p.Thr32Arg) results in a non-conservative amino acid change in the encoded protein sequence. Five of five in-silico tools predict a damaging effect of the variant on protein function. The variant was absent in 251496 control chromosomes. c.95C>G has been observed in multiple homozygous individuals affected with Hyperornithinemia-Hyperammonemia-Homocitrullinuria Syndrome (e.g. Camacho_2006). These data indicate that the variant is very likely to be associated with disease. At least one publication reports experimental evidence evaluating an impact on protein function. The most pronounced variant effect results in <10% of normal activity (e.g. Camacho_2006). The following publication has been ascertained in the context of this evaluation (PMID: 16940241). ClinVar contains an entry for this variant (Variation ID: 6000). Based on the evidence outlined above, the variant was classified as pathogenic.

Labcorp Genetics (formerly Invitae), Labcorp
Classification: Pathogenic for Hyperornithinemia-hyperammonemia-homocitrullinuria syndrome. Last evaluated: 2022-05-30. Review status: criteria provided, single submitter. Criteria: Invitae Variant Classification Sherloc (09022015). Collection method: clinical testing. Allele origin: germline.
Comment: ClinVar contains an entry for this variant (Variation ID: 6000). For these reasons, this variant has been classified as Pathogenic. Algorithms developed to predict the effect of sequence changes on RNA splicing suggest that this variant may create or strengthen a splice site. Experimental studies have shown that this missense change affects SLC25A15 function (PMID: 16940241). Algorithms developed to predict the effect of missense changes on protein structure and function are either unavailable or do not agree on the potential impact of this missense change (SIFT: "Tolerated"; PolyPhen-2: "Probably Damaging"; Align-GVGD: "Class C0"). This missense change has been observed in individual(s) with HHH syndrome (PMID: 16940241). It has also been observed to segregate with disease in related individuals. This variant is not present in population databases (gnomAD no frequency). This sequence change replaces threonine, which is neutral and polar, with arginine, which is basic and polar, at codon 32 of the SLC25A15 protein (p.Thr32Arg).

Rady Children's Institute for Genomic Medicine, Rady Children's Hospital San Diego
Classification: Pathogenic for HYPERORNITHINEMIA-HYPERAMMONEMIA-HOMOCITRULLINURIA SYNDROME. Last evaluated: 2019-12-11. Review status: criteria provided, single submitter. Criteria: ACMG Guidelines, 2015. Collection method: clinical testing. Allele origin: germline. Affected: yes.
Comment: This variant has been previously reported as a homozygous change in patients with Hyperornithinemia-Hyperammonemia-Homocitrullinuria Syndrome (PMID: 16940241). In vitro overexpression studies of this variant showed that it diminished but does not completely abolish SLC25A15 protein function (PMID: 16940241). Additional studies using fibroblasts from patients carrying this variant in the homozygous state also showed a reduction in protein function (PMID: 16940241). It is absent from the ExAC and gnomAD population databases and thus is presumed to be rare. The c.95C>G (p.Thr32Arg) variant affects a highly conserved amino acid and is predicted by multiple in silico tools to have a deleterious effect on protein function. Based on the available evidence, the c.95C>G (p.Thr32Arg) variant is classified as Pathogenic.

OMIM
Classification: Pathogenic for HHH SYNDROME. Last evaluated: 2006-10-01. Review status: no assertion criteria provided. Collection method: literature only. Allele origin: germline. Not counted in ClinVar's aggregate classification.

GeneReviews
No classification provided. Condition: Hyperornithinemia-hyperammonemia-homocitrullinuria syndrome. Review status: no classification provided. Collection method: literature only. Allele origin: germline. Not counted in ClinVar's aggregate classification.

Literature cited by the submitters: PubMed 16940241 (cited by 3 submitters); PubMed 10369256 (cited by GeneReviews); PubMed 22649802 (cited by GeneReviews).